The following is an entry in ClinVar:

ClinVar aggregate classification (germline): Uncertain significance. Review status: criteria provided, multiple submitters, no conflicts (2 of 4 stars). 3 submissions from 3 submitters: Uncertain significance (3). Last evaluated 2026-04-28.

Conditions:
TNNI3K-related disorder. Also called: TNNI3K-related condition.
Inborn genetic diseases. Identifiers: MedGen C0950123, MeSH D030342.

Allele frequency attached by ClinVar (database versions not stated): gnomAD exomes 0.00001 and 0.00003; ExAC 0.00003; gnomAD 0.00005; TOPMed 0.00007; ESP Exome Variant Server 0.00008.
gnomAD v4.1: 24 of 1,607,832 alleles (0.0015%); highest among the groups gnomAD compares: African/African-American, 0.011%; no homozygotes.

Submissions (3):

PreventionGenetics, part of Exact Sciences
Classification: Uncertain significance for TNNI3K-related condition. Last evaluated: 2026-04-28. Review status: criteria provided, single submitter. Criteria: ACMG Guidelines, 2015. Collection method: clinical testing. Allele origin: germline.
Comment: The TNNI3K c.1478G>A variant is predicted to result in the amino acid substitution p.Arg493Gln. To our knowledge, this variant has not been reported in the literature. This variant is reported in 0.020% of alleles in individuals of African descent in gnomAD. At this time, the clinical significance of this variant is uncertain due to the absence of conclusive functional and genetic evidence.

Labcorp Genetics (formerly Invitae), Labcorp
Classification: Uncertain significance. Last evaluated: 2025-06-20. Review status: criteria provided, single submitter. Criteria: Invitae Variant Classification Sherloc (09022015). Collection method: clinical testing. Allele origin: germline.
Comment: This sequence change replaces arginine, which is basic and polar, with glutamine, which is neutral and polar, at codon 493 of the TNNI3K protein (p.Arg493Gln). This variant is present in population databases (rs200077374, gnomAD 0.02%). This variant has not been reported in the literature in individuals affected with TNNI3K-related conditions. ClinVar contains an entry for this variant (Variation ID: 1402852). Invitae Evidence Modeling of protein sequence and biophysical properties (such as structural, functional, and spatial information, amino acid conservation, physicochemical variation, residue mobility, and thermodynamic stability) indicates that this missense variant is not expected to disrupt TNNI3K protein function with a negative predictive value of 80%. In summary, the available evidence is currently insufficient to determine the role of this variant in disease. Therefore, it has been classified as a Variant of Uncertain Significance.

Ambry Genetics
Classification: Uncertain significance for Inborn genetic diseases. Last evaluated: 2024-01-19. Review status: criteria provided, single submitter. Criteria: Ambry Variant Classification Scheme 2023. Collection method: clinical testing. Allele origin: germline.

NM_015978.3(TNNI3K):c.1478G>A (p.Arg493Gln)

Genes: FPGT-TNNI3K (FPGT-TNNI3K readthrough; plus strand), TNNI3K (TNNI3 interacting kinase; plus strand). Cytogenetic location: 1p31.1.
Variant type: single nucleotide variant.
Coding change: c.1478G>A on transcript NM_015978.3 (MANE Select); coding-DNA position 1478, G replaced by A.
Protein change: p.Arg493Gln; replaces arginine 493 with glutamine.
Molecular consequence: missense variant.
Genome position (GRCh38, 1-based): chr1:74,369,396, G>A. VCF-style: chr1-74369396-G-A. GRCh37 (hg19) VCF-style: chr1-74835080-G-A.
Other names: c.1781G>A, p.Arg594Gln (NM_001112808.3, NM_001199327.2); short protein forms R493Q, R594Q.
Identifiers: ClinVar variation 1402852 (VCV001402852.10), dbSNP rs200077374, ClinGen allele CA909316.
Genomic context (GRCh38, chr1:74,369,396, plus strand): 5'-CCCCTTGTTTGGATCCATCTGTTTACTGAAGATTTTCTGTTGCTGCCATTTCCAGTTATC[G>A]AGCCAATACCTACTGCTCCAAGTCAGATGTGGATATGTTTTGCCGAGAGGTGTCCATTCT-3'
Protein context (NP_057062.1, residues 483-503): RNKIVAIKRY[Arg493Gln]ANTYCSKSDV